The following is an entry in ClinVar:

NM_032043.3(BRIP1):c.3662T>G (p.Leu1221Arg)

Gene: BRIP1 (BRCA1 interacting DNA helicase 1; minus strand). Cytogenetic location: 17q23.2.
Variant type: single nucleotide variant.
Coding change: c.3662T>G on transcript NM_032043.3 (MANE Select); coding-DNA position 3662, T replaced by G.
Protein change: p.Leu1221Arg; replaces leucine 1221 with arginine.
Molecular consequence: missense variant.
Genome position (GRCh38, 1-based): chr17:61,683,384, A>C on the plus strand (T>G on the coding strand, the complement: BRIP1 is on the minus strand). VCF-style: chr17-61683384-A-C. GRCh37 (hg19) VCF-style: chr17-59760745-A-C.
Other names: short protein forms L1221R.
Identifiers: ClinVar variation 187564 (VCV000187564.17), dbSNP rs778805688, ClinGen allele CA197967.

ClinVar aggregate classification (germline): Uncertain significance. Review status: criteria provided, multiple submitters, no conflicts (2 of 4 stars). 3 submissions from 3 submitters: Uncertain significance (3). Last evaluated 2023-08-09.

Conditions:
Familial cancer of breast. Also called: BREAST CANCER, FAMILIAL; Hereditary breast cancer; hereditary breast carcinoma. Identifiers: Orphanet 227535, MedGen C0346153, MONDO:0016419, OMIM 114480. Disease mechanism: loss of function.
Hereditary cancer-predisposing syndrome. Also called: Hereditary Cancer Syndrome; Neoplastic Syndromes, Hereditary; Tumor predisposition; Hereditary neoplastic syndrome. Identifiers: Orphanet 140162, MedGen C0027672, MeSH D009386, MONDO:0015356.
Fanconi anemia complementation group J. Also called: BRIP1-Related Fanconi Anemia. Identifiers: Orphanet 84, MedGen C1836860, MONDO:0012187, OMIM 609054.

Allele frequency attached by ClinVar (database versions not stated): gnomAD exomes below 0.00001; ExAC 0.00001.
gnomAD v4.1: 1 of 1,613,080 alleles (0.000062%); highest among the groups gnomAD compares: Non-Finnish European, 0.000085%; no homozygotes.

Submissions (3):

Baylor Genetics
Classification: Uncertain significance for Familial cancer of breast. Last evaluated: 2023-08-09. Review status: criteria provided, single submitter. Criteria: ACMG Guidelines, 2015. Collection method: clinical testing. Allele origin: unknown.

Ambry Genetics
Classification: Uncertain significance for Hereditary cancer-predisposing syndrome. Last evaluated: 2022-09-28. Review status: criteria provided, single submitter. Criteria: Ambry Variant Classification Scheme 2023. Collection method: clinical testing. Allele origin: germline.
Comment: The p.L1221R variant (also known as c.3662T>G), located in coding exon 19 of the BRIP1 gene, results from a T to G substitution at nucleotide position 3662. The leucine at codon 1221 is replaced by arginine, an amino acid with dissimilar properties. This amino acid position is well conserved in available vertebrate species. In addition, this alteration is predicted to be tolerated by in silico analysis. Since supporting evidence is limited at this time, the clinical significance of this alteration remains unclear.

Labcorp Genetics (formerly Invitae), Labcorp
Classification: Uncertain significance for Familial cancer of breast; Fanconi anemia complementation group J. Last evaluated: 2019-09-14. Review status: criteria provided, single submitter. Criteria: Invitae Variant Classification Sherloc (09022015). Collection method: clinical testing. Allele origin: germline.
Comment: In summary, the available evidence is currently insufficient to determine the role of this variant in disease. Therefore, it has been classified as a Variant of Uncertain Significance. Algorithms developed to predict the effect of missense changes on protein structure and function (SIFT, PolyPhen-2, Align-GVGD) all suggest that this variant is likely to be tolerated, but these predictions have not been confirmed by published functional studies and their clinical significance is uncertain. This variant has not been reported in the literature in individuals with BRIP1-related conditions. ClinVar contains an entry for this variant (Variation ID: 187564). This variant is present in population databases (rs778805688, ExAC 0.002%). This sequence change replaces leucine with arginine at codon 1221 of the BRIP1 protein (p.Leu1221Arg). The leucine residue is weakly conserved and there is a moderate physicochemical difference between leucine and arginine.